The following is an entry in ClinVar:

ClinVar aggregate classification (germline): Pathogenic (1 of 4 stars; one submission).

Conditions:
Congenital adrenal hypoplasia, X-linked (AHC). Also called: Isolated X-Linked Adrenal Hypoplasia Congenita; X-linked AHC; X-Linked Adrenal Hypoplasia Congenita; ADRENAL HYPOPLASIA, CONGENITAL, WITH HYPOGONADOTROPIC HYPOGONADISM. Identifiers: Orphanet 95702, MedGen C0342482, MONDO:0010264, OMIM 300200. Disease mechanism: loss of function.
46,XY sex reversal 2. Also called: NR0B1-Related 46,XY CGD; NR0B1-related 46,XY complete gonadal dysgenesis; Dosage-sensitive sex reversal; 46,XY SEX REVERSAL, DAX1-RELATED; 46XY sex reversal 2, dosage-sensitive. Identifiers: MedGen C1848296, MONDO:0010226, OMIM 300018.

Submission:

Labcorp Genetics (formerly Invitae), Labcorp
Classification: Pathogenic for Congenital adrenal hypoplasia, X-linked; 46,XY sex reversal 2. Last evaluated: 2023-12-12. Review status: criteria provided, single submitter. Criteria: Invitae Variant Classification Sherloc (09022015). Collection method: clinical testing. Allele origin: germline.
Comment: This sequence change creates a premature translational stop signal (p.Gln9*) in the NR0B1 gene. It is expected to result in an absent or disrupted protein product. Loss-of-function variants in NR0B1 are known to be pathogenic (PMID: 7990958, 15841486). This variant is not present in population databases (gnomAD no frequency). This variant has not been reported in the literature in individuals affected with NR0B1-related conditions. For these reasons, this variant has been classified as Pathogenic.

Literature cited by the submitters: PubMed 7990958; PubMed 15841486.

NM_000475.5(NR0B1):c.25C>T (p.Gln9Ter)

Gene: NR0B1 (nuclear receptor subfamily 0 group B member 1; minus strand). Cytogenetic location: Xp21.2.
Variant type: single nucleotide variant.
Coding change: c.25C>T on transcript NM_000475.5 (MANE Select); coding-DNA position 25, C replaced by T.
Protein change: p.Gln9Ter; replaces glutamine 9 with a stop codon.
Molecular consequence: nonsense.
Genome position (GRCh38, 1-based): chrX:30,309,339, G>A on the plus strand (C>T on the coding strand, the complement: NR0B1 is on the minus strand). VCF-style: chrX-30309339-G-A. GRCh37 (hg19) VCF-style: chrX-30327456-G-A.
Other names: short protein forms Q9*.
Identifiers: ClinVar variation 2921342 (VCV002921342.3), dbSNP rs1191878631, ClinGen allele CA412549635.
Genomic context (GRCh38, chrX:30,309,339, plus strand): 5'-CCTCAGGAGCCGCGCGCGTTTGCTTCGCGCTCATAAGCATGTTGTAGAGGATGCTGCCCT[G>A]CCACTGGTGGTTCTCGCCCGCCATGGCCCGCGGCGCCCGTAGCCCAGTTCTGCCCAGTGG-3'